The following is an entry in ClinVar:

NM_000384.3(APOB):c.3365G>T (p.Gly1122Val)

Gene: APOB (apolipoprotein B; minus strand). Cytogenetic location: 2p24.1.
Variant type: single nucleotide variant.
Coding change: c.3365G>T on transcript NM_000384.3 (MANE Select); coding-DNA position 3365, G replaced by T.
Protein change: p.Gly1122Val; replaces glycine 1122 with valine.
Molecular consequence: missense variant.
Genome position (GRCh38, 1-based): chr2:21,015,513, C>A on the plus strand (G>T on the coding strand, the complement: APOB is on the minus strand). VCF-style: chr2-21015513-C-A. GRCh37 (hg19) VCF-style: chr2-21238385-C-A.
Other names: short protein forms G1122V.
Identifiers: ClinVar variation 920679 (VCV000920679.5), dbSNP rs1366616257, ClinGen allele CA346009235.

ClinVar aggregate classification (germline): Uncertain significance. Review status: criteria provided, multiple submitters, no conflicts (2 of 4 stars). 3 submissions from 3 submitters: Uncertain significance (3). Last evaluated 2025-04-23.

Conditions:
Familial hypobetalipoproteinemia 1. Also called: Hypobetalipoproteinemia, normotriglyceridemic; Acanthocytosis with hypobetalipoproteinemia; APOB-Related Familial Hypobetalipoproteinemia. Identifiers: MedGen C4551990, MONDO:0014252, OMIM 615558.
Hypercholesterolemia, autosomal dominant, type B (FHCL2). Also called: Familial Hypercholesterolemia Type B; HYPERCHOLESTEROLEMIA, FAMILIAL, DUE TO LIGAND-DEFECTIVE APOLIPOPROTEIN B; Familial hypercholesterolemia 2; APOB-Related Familial Hypercholesterolemia, Autosomal Dominant; APOLIPOPROTEIN B-100, FAMILIAL DEFECTIVE; APOLIPOPROTEIN B-100, FAMILIAL LIGAND-DEFECTIVE. Identifiers: MedGen C1704417, MONDO:0007751, OMIM 144010.
Cardiovascular phenotype. Identifiers: MedGen CN230736.

gnomAD v4.1: 1 of 1,613,810 alleles (0.000062%); highest among the groups gnomAD compares: Non-Finnish European, 0.000085%; no homozygotes.

Submissions (3):

GeneDx
Classification: Uncertain significance. Last evaluated: 2025-04-23. Review status: criteria provided, single submitter. Criteria: GeneDx Variant Classification Process June 2021. Collection method: clinical testing. Allele origin: germline. Affected: yes.
Comment: Not observed at significant frequency in large population cohorts (gnomAD); In silico analysis supports that this missense variant has a deleterious effect on protein structure/function; Has not been previously published as pathogenic or benign to our knowledge; Also known as p.(G1095V)

Ambry Genetics
Classification: Uncertain significance for Cardiovascular phenotype. Last evaluated: 2024-12-13. Review status: criteria provided, single submitter. Criteria: Ambry Variant Classification Scheme 2023. Collection method: clinical testing. Allele origin: germline.
Comment: The p.G1122V variant (also known as c.3365G>T), located in coding exon 22 of the APOB gene, results from a G to T substitution at nucleotide position 3365. The glycine at codon 1122 is replaced by valine, an amino acid with dissimilar properties. This amino acid position is conserved. In addition, this alteration is predicted to be tolerated by in silico analysis. Based on the available evidence, the clinical significance of this variant remains unclear.

Fulgent Genetics
Classification: Uncertain significance for Hypercholesterolemia, autosomal dominant, type B; Familial hypobetalipoproteinemia 1. Last evaluated: 2021-09-15. Review status: criteria provided, single submitter. Criteria: ACMG Guidelines, 2015. Collection method: clinical testing. Allele origin: unknown.